The following is an entry in ClinVar:

ClinVar aggregate classification (germline): Benign (1 of 4 stars; one submission).

Conditions:
Congenital fibrosis of extraocular muscles type 1. Also called: CFEOM3B; BLEPHAROPTOSIS WITH ABSENT EYE MOVEMENTS; OPHTHALMOPLEGIA, CONGENITAL; FEOM1 LOCUS. Identifiers: MedGen C1851102, MONDO:0021083, OMIM 135700.

Allele frequency attached by ClinVar (database versions not stated): ExAC 0.00018; gnomAD 0.00083; 1000 Genomes Project 30x 0.00016; gnomAD exomes 0.00019; 1000 Genomes Project 0.00020; ESP Exome Variant Server 0.00062; TOPMed 0.00076.
gnomAD v4.1: 222 of 1,613,500 alleles (0.014%); highest among the groups gnomAD compares: African/African-American, 0.27%; no homozygotes.

Submission:

Illumina Laboratory Services, Illumina
Classification: Benign for Congenital fibrosis of extraocular muscles type 1. Last evaluated: 2018-01-13. Review status: criteria provided, single submitter. Criteria: ICSL Variant Classification Criteria 13 December 2019. Collection method: clinical testing. Allele origin: germline.
Comment: This variant was observed in the ICSL laboratory as part of a predisposition screen in an ostensibly healthy population. It had not been previously curated by ICSL or reported in the Human Gene Mutation Database (HGMD: prior to June 1st, 2018), and was therefore a candidate for classification through an automated scoring system. Utilizing variant allele frequency, disease prevalence and penetrance estimates, and inheritance mode, an automated score was calculated to assess if this variant is too frequent to cause the disease. Based on the score and internal cut-off values, a variant classified as benign is not then subjected to further curation. The score for this variant resulted in a classification of benign for this disease.

NM_001173464.2(KIF21A):c.2487+5A>T

Gene: KIF21A (kinesin family member 21A; minus strand). Cytogenetic location: 12q12.
Variant type: single nucleotide variant.
Coding change: c.2487+5A>T on transcript NM_001173464.2 (MANE Select); 5 bases into the intron after coding-DNA position 2487, A replaced by T.
Molecular consequence: intron variant.
Genome position (GRCh38, 1-based): chr12:39,333,207, T>A on the plus strand (A>T on the coding strand, the complement: KIF21A is on the minus strand). VCF-style: chr12-39333207-T-A. GRCh37 (hg19) VCF-style: chr12-39727009-T-A.
Other names: c.2380-100A>T (NM_001173465.2); c.2448+5A>T (NM_001173463.2, NM_017641.4).
Identifiers: ClinVar variation 308571 (VCV000308571.5), dbSNP rs376142046, ClinGen allele CA6510780.